The following is an entry in ClinVar:

ClinVar aggregate classification (germline): Uncertain significance (1 of 4 stars; one submission).

Conditions:
Hereditary cancer-predisposing syndrome. Also called: Tumor predisposition; Hereditary Cancer Syndrome; Neoplastic Syndromes, Hereditary; Hereditary neoplastic syndrome. Identifiers: Orphanet 140162, MedGen C0027672, MeSH D009386, MONDO:0015356.

Submission:

Color Diagnostics, LLC DBA Color Health
Classification: Uncertain significance for Hereditary cancer-predisposing syndrome. Last evaluated: 2025-10-05. Review status: criteria provided, single submitter. Criteria: ACMG Guidelines, 2015. Collection method: clinical testing. Allele origin: germline.
Comment: This missense variant replaces arginine with serine at codon 1273 of the APC protein. Computational prediction is inconclusive regarding the impact of this variant on protein structure and function. To our knowledge, functional studies have not been reported for this variant. This variant has not been reported in individuals affected with APC-related disorders in the literature. This variant has not been identified in the general population by the Genome Aggregation Database (gnomAD). The available evidence is insufficient to determine the role of this variant in disease conclusively. Therefore, this variant is classified as a Variant of Uncertain Significance.

NM_000038.6(APC):c.3819A>C (p.Arg1273Ser)

Gene: APC (APC regulator of Wnt signaling pathway; plus strand). Cytogenetic location: 5q22.2.
Variant type: single nucleotide variant.
Coding change: c.3819A>C on transcript NM_000038.6 (MANE Select); coding-DNA position 3819, A replaced by C.
Protein change: p.Arg1273Ser; replaces arginine 1273 with serine.
Molecular consequence: missense variant. On other transcripts: non-coding transcript variant (2).
Genome position (GRCh38, 1-based): chr5:112,839,413, A>C. VCF-style: chr5-112839413-A-C. GRCh37 (hg19) VCF-style: chr5-112175110-A-C.
Other names: c.3546A>C, p.Arg1182Ser (NM_001354902.2); c.3516A>C, p.Arg1172Ser (NM_001354903.2, NM_001407458.1, NM_001407459.1 and 1 more transcripts); c.3441A>C, p.Arg1147Ser (NM_001354904.2); c.3339A>C, p.Arg1113Ser (NM_001354905.2); c.2970A>C, p.Arg990Ser (NM_001354906.2, NM_001407470.1); c.3903A>C, p.Arg1301Ser (NM_001407446.1); c.3873A>C, p.Arg1291Ser (NM_001407447.1, NM_001407448.1, NM_001407449.1 and 1 more transcripts); c.3819A>C, p.Arg1273Ser (NM_001407450.1, NM_001127510.3, NM_001354895.2); and 11 more; short protein forms R1113S, R1144S, R1147S, R1172S, R1182S, R1190S, R1214S, R1232S.
Identifiers: ClinVar variation 4758145 (VCV004758145.1).